The following is an entry in ClinVar:

ClinVar aggregate classification (germline): Uncertain significance (1 of 4 stars; one submission).

Conditions:
Severe combined immunodeficiency due to LCK deficiency. Also called: Immunodeficiency 22. Identifiers: Orphanet 280142, MedGen C4014233, MONDO:0014334, OMIM 615758.

Allele frequency attached by ClinVar (database versions not stated): TOPMed below 0.00001; gnomAD exomes 0.00004; ExAC 0.00005.
gnomAD v4.1: 24 of 1,614,224 alleles (0.0015%); highest among the groups gnomAD compares: South Asian, 0.025%; no homozygotes.

Submission:

Labcorp Genetics (formerly Invitae), Labcorp
Classification: Uncertain significance for Severe combined immunodeficiency due to LCK deficiency. Last evaluated: 2020-10-05. Review status: criteria provided, single submitter. Criteria: Invitae Variant Classification Sherloc (09022015). Collection method: clinical testing. Allele origin: germline.
Comment: This sequence change replaces leucine with methionine at codon 469 of the LCK protein (p.Leu469Met). The leucine residue is highly conserved and there is a small physicochemical difference between leucine and methionine. This variant is present in population databases (rs767828400, ExAC 0.04%). This variant has not been reported in the literature in individuals with LCK-related conditions. Algorithms developed to predict the effect of missense changes on protein structure and function are either unavailable or do not agree on the potential impact of this missense change (SIFT: "Deleterious"; PolyPhen-2: "Probably Damaging"; Align-GVGD: "Class C0"). In summary, the available evidence is currently insufficient to determine the role of this variant in disease. Therefore, it has been classified as a Variant of Uncertain Significance.

NM_005356.5(LCK):c.1405C>A (p.Leu469Met)

Gene: LCK (LCK proto-oncogene, Src family tyrosine kinase; plus strand). Cytogenetic location: 1p35.2.
Variant type: single nucleotide variant.
Coding change: c.1405C>A on transcript NM_005356.5 (MANE Select); coding-DNA position 1405, C replaced by A.
Protein change: p.Leu469Met; replaces leucine 469 with methionine.
Molecular consequence: missense variant.
Genome position (GRCh38, 1-based): chr1:32,285,591, C>A. VCF-style: chr1-32285591-C-A. GRCh37 (hg19) VCF-style: chr1-32751192-C-A.
Other names: c.1405C>A, p.Leu469Met (NM_001042771.3); c.1252C>A, p.Leu418Met (NM_001330468.2); short protein forms L418M, L469M.
Identifiers: ClinVar variation 1003637 (VCV001003637.8), dbSNP rs767828400, ClinGen allele CA741372.
Genomic context (GRCh38, chr1:32,285,591, plus strand): 5'-GTGATTCAGAACCTGGAGCGAGGCTACCGCATGGTGCGCCCTGACAACTGTCCAGAGGAG[C>A]TGTACCAACTCATGAGGCTGTGCTGGAAGGAGCGCCCAGAGGACCGGCCCACCTTTGACT-3'
Protein context (NP_005347.3, residues 459-479): MVRPDNCPEE[Leu469Met]YQLMRLCWKE